The following is an entry in ClinVar:

ClinVar aggregate classification (germline): Conflicting classifications of pathogenicity. Review status: criteria provided, conflicting classifications (1 of 4 stars). 2 submissions from 2 submitters: Uncertain significance (1); Likely benign (1). Last evaluated 2025-07-02.

Allele frequency attached by ClinVar (database versions not stated): TOPMed 0.00004; gnomAD 0.00007; ExAC 0.00010; 1000 Genomes Project 30x 0.00078; 1000 Genomes Project 0.00080.
gnomAD v4.1: 49 of 1,613,958 alleles (0.003%); highest among the groups gnomAD compares: East Asian, 0.065%; no homozygotes.

Submissions (2):

Labcorp Genetics (formerly Invitae), Labcorp
Classification: Uncertain significance. Last evaluated: 2025-07-02. Review status: criteria provided, single submitter. Criteria: Invitae Variant Classification Sherloc (09022015). Collection method: clinical testing. Allele origin: germline.
Comment: This sequence change replaces arginine, which is basic and polar, with histidine, which is basic and polar, at codon 235 of the FUK protein (p.Arg235His). This variant is present in population databases (rs200717651, gnomAD 0.1%), and has an allele count higher than expected for a pathogenic variant. This variant has not been reported in the literature in individuals affected with FUK-related conditions. ClinVar contains an entry for this variant (Variation ID: 2600340). An algorithm developed to predict the effect of missense changes on protein structure and function outputs the following: PolyPhen-2: "Benign". The histidine amino acid residue is found in multiple mammalian species, which suggests that this missense change does not adversely affect protein function. In summary, the available evidence is currently insufficient to determine the role of this variant in disease. Therefore, it has been classified as a Variant of Uncertain Significance.

Ambry Genetics
Classification: Likely benign. Last evaluated: 2023-09-13. Review status: criteria provided, single submitter. Criteria: Ambry Variant Classification Scheme 2023. Collection method: clinical testing. Allele origin: germline.

NM_145059.3(FCSK):c.704G>A (p.Arg235His)

Gene: FCSK (fucose kinase; plus strand). Cytogenetic location: 16q22.1.
Variant type: single nucleotide variant.
Coding change: c.704G>A on transcript NM_145059.3 (MANE Select); coding-DNA position 704, G replaced by A.
Protein change: p.Arg235His; replaces arginine 235 with histidine.
Molecular consequence: missense variant.
Genome position (GRCh38, 1-based): chr16:70,468,889, G>A. VCF-style: chr16-70468889-G-A. GRCh37 (hg19) VCF-style: chr16-70502792-G-A.
Other names: short protein forms R235H.
Identifiers: ClinVar variation 2600340 (VCV002600340.3), dbSNP rs200717651, ClinGen allele CA8143057.
Genomic context (GRCh38, chr16:70,468,889, plus strand): 5'-CCTTTTGGGGTCCCTTCCAGGTCTCTGGGGTTGTCTTCTTCTCTGTGGAGACTGCCGAGC[G>A]CCTCCTAGCCACCCACGTGAGCCCGCCCCTGGATGCCTGCACCTACCTAGGCTTGGACTC-3'
Protein context (NP_659496.2, residues 225-245): VVFFSVETAE[Arg235His]LLATHVSPPL